The following is an entry in ClinVar:

NM_015378.4(VPS13D):c.628G>A (p.Asp210Asn)

Gene: VPS13D (vacuolar protein sorting 13 homolog D; plus strand). Cytogenetic location: 1p36.22.
Variant type: single nucleotide variant.
Coding change: c.628G>A on transcript NM_015378.4 (MANE Select); coding-DNA position 628, G replaced by A.
Protein change: p.Asp210Asn; replaces aspartic acid 210 with asparagine.
Molecular consequence: missense variant.
Genome position (GRCh38, 1-based): chr1:12,253,785, G>A. VCF-style: chr1-12253785-G-A. GRCh37 (hg19) VCF-style: chr1-12313842-G-A.
Other names: c.628G>A (NM_015378.3, NM_015378.2); c.628G>A, p.Asp210Asn (NM_018156.4); short protein forms D210N.
Identifiers: ClinVar variation 1334954 (VCV001334954.37), dbSNP rs145337192, ClinGen allele CA601270.

ClinVar aggregate classification (germline): Uncertain significance. Review status: criteria provided, multiple submitters, no conflicts (2 of 4 stars). 4 submissions from 4 submitters: Uncertain significance (4). Last evaluated 2025-03-02.

Conditions:
Autosomal recessive cerebellar ataxia-saccadic intrusion syndrome. Also called: VPS13D Movement Disorder; SPINOCEREBELLAR ATAXIA 24. Identifiers: Orphanet 95434, MedGen C1846492, MONDO:0011811, OMIM 607317.
Inborn genetic diseases. Identifiers: MedGen C0950123, MeSH D030342.

Allele frequency attached by ClinVar (database versions not stated): ExAC 0.00008; gnomAD 0.00009; gnomAD exomes 0.00009 and 0.00019; ESP Exome Variant Server 0.00023.
gnomAD v4.1: 298 of 1,613,986 alleles (0.018%); highest among the groups gnomAD compares: Non-Finnish European, 0.023%; no homozygotes.

Submissions (4):

GeneDx
Classification: Uncertain significance. Last evaluated: 2025-03-02. Review status: criteria provided, single submitter. Criteria: GeneDx Variant Classification Process June 2021. Collection method: clinical testing. Allele origin: germline. Affected: yes.
Comment: In silico analysis indicates that this missense variant does not alter protein structure/function; Has not been previously published as pathogenic or benign to our knowledge

Ambry Genetics
Classification: Uncertain significance for Inborn genetic diseases. Last evaluated: 2024-05-28. Review status: criteria provided, single submitter. Criteria: Ambry Variant Classification Scheme 2023. Collection method: clinical testing. Allele origin: germline.

Fulgent Genetics
Classification: Uncertain significance for Autosomal recessive cerebellar ataxia-saccadic intrusion syndrome. Last evaluated: 2024-03-12. Review status: criteria provided, single submitter. Criteria: ACMG Guidelines, 2015. Collection method: clinical testing. Allele origin: germline.

CeGaT Center for Human Genetics Tuebingen
Classification: Uncertain significance. Last evaluated: 2021-10-01. Review status: criteria provided, single submitter. Criteria: CeGaT Center For Human Genetics Tuebingen Variant Classification Criteria Version 2. Collection method: clinical testing. Allele origin: germline. Affected: yes. Observed: 1 variant allele.